The following is an entry in ClinVar:

NM_007055.4(POLR3A):c.156A>G (p.Leu52=)

Gene: POLR3A (RNA polymerase III subunit A; minus strand). Cytogenetic location: 10q22.3.
Variant type: single nucleotide variant.
Coding change: c.156A>G on transcript NM_007055.4 (MANE Select); coding-DNA position 156, A replaced by G.
Protein change: p.Leu52=; no amino-acid change (leucine 52 retained).
Molecular consequence: synonymous variant.
Genome position (GRCh38, 1-based): chr10:78,026,118, T>C on the plus strand (A>G on the coding strand, the complement: POLR3A is on the minus strand). VCF-style: chr10-78026118-T-C. GRCh37 (hg19) VCF-style: chr10-79785876-T-C.
Identifiers: ClinVar variation 301085 (VCV000301085.38), dbSNP rs373974792, ClinGen allele CA5571784.

ClinVar aggregate classification (germline): Conflicting classifications of pathogenicity. Review status: criteria provided, conflicting classifications (1 of 4 stars). 5 submissions from 5 submitters: Uncertain significance (1); Likely benign (4). Last evaluated 2026-08-01.

Conditions:
POLR3A-related disorder. Also called: POLR3A-related condition; POLR3A-related disorders. Identifiers: MedGen CN378587, MONDO:0700276.
Leukodystrophy, hypomyelinating, 7, with or without oligodontia and/or hypogonadotropic hypogonadism (HLD7). Also called: LEUKODYSTROPHY, HYPOMYELINATING, 7, WITH OLIGODONTIA; LEUKODYSTROPHY, HYPOMYELINATING, 7, WITH OLIGODONTIA AND HYPOGONADOTROPIC HYPOGONADISM; LEUKODYSTROPHY, HYPOMYELINATING, 7, WITHOUT OLIGODONTIA OR HYPOGONADOTROPIC HYPOGONADISM; Ataxia, Delayed Dentition and Hypomyelination (ADDH); LEUKOENCEPHALOPATHY, HYPOMYELINATING, WITH ATAXIA AND DELAYED DENTITION; ATAXIA, DELAYED DENTITION, AND HYPOMYELINATION. Identifiers: Orphanet 137639, Orphanet 447893, Orphanet 447896, Orphanet 77295, Orphanet 88637, MedGen CN034185, MONDO:0011897, OMIM 607694.

Allele frequency attached by ClinVar (database versions not stated): TOPMed 0.00010; ExAC 0.00012; gnomAD exomes 0.00013 and 0.00014; ESP Exome Variant Server 0.00015; gnomAD 0.00015 and 0.00017.
gnomAD v4.1: 213 of 1,614,064 alleles (0.013%); highest among the groups gnomAD compares: South Asian, 0.038%; no homozygotes.

Submissions (5):

CeGaT Center for Human Genetics Tuebingen
Classification: Likely benign. Last evaluated: 2026-08-01. Review status: criteria provided, single submitter. Criteria: CeGaT Center For Human Genetics Tuebingen Variant Classification Criteria Version 2. Collection method: clinical testing. Allele origin: germline. Affected: yes. Observed: 3 variant alleles.
Comment: POLR3A: BP4, BP7

Labcorp Genetics (formerly Invitae), Labcorp
Classification: Likely benign. Last evaluated: 2025-11-11. Review status: criteria provided, single submitter. Criteria: Invitae Variant Classification Sherloc (09022015). Collection method: clinical testing. Allele origin: germline.

PreventionGenetics, part of Exact Sciences
Classification: Likely benign for POLR3A-related condition. Last evaluated: 2025-04-25. Review status: criteria provided, single submitter. Criteria: ACMG Guidelines, 2015. Collection method: clinical testing. Allele origin: germline.
Comment: This variant is classified as likely benign based on ACMG/AMP sequence variant interpretation guidelines (Richards et al. 2015 PMID: 25741868, with internal and published modifications).

Blueprint Genetics
Classification: Likely benign. Last evaluated: 2024-06-25. Review status: criteria provided, single submitter. Criteria: ACMG Guidelines, 2015. Collection method: clinical testing. Allele origin: germline.

Illumina Laboratory Services, Illumina
Classification: Uncertain significance for Leukodystrophy, hypomyelinating, 7, with or without oligodontia and/or hypogonadotropic hypogonadism. Last evaluated: 2018-01-13. Review status: criteria provided, single submitter. Criteria: ICSL Variant Classification Criteria 13 December 2019. Collection method: clinical testing. Allele origin: germline.